The following is an entry in ClinVar:

NM_001042603.3(KDM5A):c.2838G>A (p.Gln946=)

Gene: KDM5A (lysine demethylase 5A; minus strand). Cytogenetic location: 12p13.33.
Variant type: single nucleotide variant.
Coding change: c.2838G>A on transcript NM_001042603.3 (MANE Select); coding-DNA position 2838, G replaced by A.
Protein change: p.Gln946=; no amino-acid change (glutamine 946 retained).
Molecular consequence: synonymous variant.
Genome position (GRCh38, 1-based): chr12:318,165, C>T on the plus strand (G>A on the coding strand, the complement: KDM5A is on the minus strand). VCF-style: chr12-318165-C-T. GRCh37 (hg19) VCF-style: chr12-427331-C-T.
Identifiers: ClinVar variation 4823236 (VCV004823236.4).

ClinVar aggregate classification (germline): Likely benign (1 of 4 stars; one submission).

gnomAD v4.1: 9 of 1,614,116 alleles (0.00056%); highest among the groups gnomAD compares: African/African-American, 0.0067%; no homozygotes.

Submission:

CeGaT Center for Human Genetics Tuebingen
Classification: Likely benign. Last evaluated: 2026-02-01. Review status: criteria provided, single submitter. Criteria: CeGaT Center For Human Genetics Tuebingen Variant Classification Criteria Version 2. Collection method: clinical testing. Allele origin: germline. Affected: yes. Observed: 1 variant allele.
Comment: KDM5A: BP4, BP7